The following is an entry in ClinVar:

NM_001365999.1(SZT2):c.9732G>A (p.Pro3244=)

Genes: SZT2 (SZT2 subunit of KICSTOR complex; plus strand), SZT2-AS1 (SZT2 antisense RNA 1; minus strand). Cytogenetic location: 1p34.2.
Variant type: single nucleotide variant.
Coding change: c.9732G>A on transcript NM_001365999.1 (MANE Select); coding-DNA position 9732, G replaced by A.
Protein change: p.Pro3244=; no amino-acid change (proline 3244 retained).
Molecular consequence: synonymous variant. On other transcripts: non-coding transcript variant (1).
Genome position (GRCh38, 1-based): chr1:43,448,247, G>A. VCF-style: chr1-43448247-G-A. GRCh37 (hg19) VCF-style: chr1-43913918-G-A.
Other names: c.9561G>A, p.Pro3187= (NM_015284.4).
Identifiers: ClinVar variation 588940 (VCV000588940.26), dbSNP rs200250871, ClinGen allele CA811000.

ClinVar aggregate classification (germline): Likely benign. Review status: criteria provided, multiple submitters, no conflicts (2 of 4 stars). 6 submissions from 6 submitters: Likely benign (6). Last evaluated 2026-03-09.

Conditions:
Inborn genetic diseases. Identifiers: MedGen C0950123, MeSH D030342.
Developmental and epileptic encephalopathy, 18 (DEE18). Also called: Early infantile epileptic encephalopathy 18. Identifiers: Orphanet 369894, MedGen C3809624, MONDO:0014201, OMIM 615476.

Allele frequency attached by ClinVar (database versions not stated): gnomAD exomes 0.00009 and 0.00025; ExAC 0.00012; TOPMed 0.00056; gnomAD 0.00066; 1000 Genomes Project 0.00080; 1000 Genomes Project 30x 0.00094.
gnomAD v4.1: 225 of 1,586,950 alleles (0.014%); highest among the groups gnomAD compares: Admixed American, 0.28%; 1 homozygote.

Submissions (6):

Women's Health and Genetics/Laboratory Corporation of America, LabCorp
Classification: Likely benign. Last evaluated: 2026-03-09. Review status: criteria provided, single submitter. Criteria: LabCorp Variant Classification Summary - May 2015. Collection method: clinical testing. Allele origin: germline.

CeGaT Center for Human Genetics Tuebingen
Classification: Likely benign. Last evaluated: 2026-01-01. Review status: criteria provided, single submitter. Criteria: CeGaT Center For Human Genetics Tuebingen Variant Classification Criteria Version 2. Collection method: clinical testing. Allele origin: germline. Affected: yes. Observed: 2 variant alleles.
Comment: SZT2: BP4, BP7

Labcorp Genetics (formerly Invitae), Labcorp
Classification: Likely benign. Last evaluated: 2026-01-01. Review status: criteria provided, single submitter. Criteria: Invitae Variant Classification Sherloc (09022015). Collection method: clinical testing. Allele origin: germline.

Genome-Nilou Lab
Classification: Likely benign for Developmental and epileptic encephalopathy, 18. Last evaluated: 2023-04-11. Review status: criteria provided, single submitter. Criteria: ACMG Guidelines, 2015. Collection method: clinical testing. Allele origin: germline. Affected: no.

GeneDx
Classification: Likely benign. Last evaluated: 2020-12-03. Review status: criteria provided, single submitter. Criteria: GeneDx Variant Classification Process June 2021. Collection method: clinical testing. Allele origin: germline. Affected: yes.

Ambry Genetics
Classification: Likely benign for Inborn genetic diseases. Last evaluated: 2017-04-06. Review status: criteria provided, single submitter. Criteria: Ambry Variant Classification Scheme 2023. Collection method: clinical testing. Allele origin: germline.